The following is an entry in ClinVar:

ClinVar aggregate classification (germline): Pathogenic (1 of 4 stars; one submission).

Conditions:
Glycogen storage disease due to muscle and heart glycogen synthase deficiency. Also called: MUSCLE GLYCOGEN SYNTHASE DEFICIENCY; GSD 0b. Identifiers: Orphanet 137625, MedGen C1969054, MONDO:0012693, OMIM 611556.

Submission:

Labcorp Genetics (formerly Invitae), Labcorp
Classification: Pathogenic for Glycogen storage disease due to muscle and heart glycogen synthase deficiency. Last evaluated: 2021-07-06. Review status: criteria provided, single submitter. Criteria: Invitae Variant Classification Sherloc (09022015). Collection method: clinical testing. Allele origin: germline.
Comment: For these reasons, this variant has been classified as Pathogenic. This variant has not been reported in the literature in individuals affected with GYS1-related conditions. This variant is not present in population databases (ExAC no frequency). This sequence change creates a premature translational stop signal (p.Gly310Alafs*46) in the GYS1 gene. It is expected to result in an absent or disrupted protein product. Loss-of-function variants in GYS1 are known to be pathogenic (PMID: 17928598, 19699667).

Literature cited by the submitters: PubMed 17928598; PubMed 19699667.

NM_002103.5(GYS1):c.929del (p.Gly310fs)

Gene: GYS1 (glycogen synthase 1; minus strand). Cytogenetic location: 19q13.33.
Variant type: Deletion.
Coding change: c.929del on transcript NM_002103.5 (MANE Select); coding-DNA position 929, one base deleted (G; older notation c.929delG).
Protein change: p.Gly310fs; shifts the reading frame from glycine 310.
Molecular consequence: frameshift variant. On other transcripts: non-coding transcript variant (1).
Genome position (GRCh38, 1-based): chr19:48,982,732, C deleted on the plus strand (G on the coding strand, the reverse complement: GYS1 is on the minus strand); the first of 4 consecutive C bases (chr19:48,982,732-48,982,735); deleting any one gives the same sequence. VCF-style (leftmost placement, unchanged base first): chr19-48982731-GC-G. GRCh37 (hg19) VCF-style: chr19-49485988-GC-G.
Other names: c.737del, p.Gly246fs (NM_001161587.2); short protein forms G246fs, G310fs.
Identifiers: ClinVar variation 1433467 (VCV001433467.6), dbSNP rs2122509664, ClinGen allele CA2573156528.